The following is an entry in ClinVar:

NM_012344.4(NTSR2):c.192C>A (p.Arg64=)

Gene: NTSR2 (neurotensin receptor 2; minus strand). Cytogenetic location: 2p25.1.
Variant type: single nucleotide variant.
Coding change: c.192C>A on transcript NM_012344.4 (MANE Select); coding-DNA position 192, C replaced by A.
Protein change: p.Arg64=; no amino-acid change (arginine 64 retained).
Molecular consequence: synonymous variant.
Genome position (GRCh38, 1-based): chr2:11,669,938, G>T on the plus strand (C>A on the coding strand, the complement: NTSR2 is on the minus strand). VCF-style: chr2-11669938-G-T. GRCh37 (hg19) VCF-style: chr2-11810064-G-T.
Identifiers: ClinVar variation 2650687 (VCV002650687.24), dbSNP rs11556847, ClinGen allele CA1533253.

ClinVar aggregate classification (germline): Likely benign (1 of 4 stars; one submission).

Allele frequency attached by ClinVar (database versions not stated): ESP Exome Variant Server 0.00137.

Submission:

CeGaT Center for Human Genetics Tuebingen
Classification: Likely benign. Last evaluated: 2022-07-01. Review status: criteria provided, single submitter. Criteria: CeGaT Center For Human Genetics Tuebingen Variant Classification Criteria Version 2. Collection method: clinical testing. Allele origin: germline. Affected: yes. Observed: 1 variant allele.
Comment: NTSR2: BP4, BP7